The following is an entry in ClinVar:

ClinVar aggregate classification (germline): Uncertain significance (1 of 4 stars; one submission).

Conditions:
Benign neonatal seizures. Also called: Benign familial neonatal epilepsy; Benign familial neonatal seizures; Benign neonatal familial convulsions; Convulsions benign familial neonatal dominant form; Autosomal dominant form of benign neonatal seizures. Identifiers: Orphanet 1949, MedGen C0220669, MONDO:0016027.

Submission:

Labcorp Genetics (formerly Invitae), Labcorp
Classification: Uncertain significance for Benign neonatal seizures. Last evaluated: 2025-12-08. Review status: criteria provided, single submitter. Criteria: Invitae Variant Classification Sherloc (09022015). Collection method: clinical testing. Allele origin: germline.
Comment: This sequence change replaces glycine, which is neutral and non-polar, with glutamic acid, which is acidic and polar, at codon 575 of the KCNQ3 protein (p.Gly575Glu). This variant is not present in population databases (gnomAD no frequency). This variant has not been reported in the literature in individuals affected with KCNQ3-related conditions. ClinVar contains an entry for this variant (Variation ID: 3625619). Invitae Evidence Modeling of protein sequence and biophysical properties (such as structural, functional, and spatial information, amino acid conservation, physicochemical variation, residue mobility, and thermodynamic stability) indicates that this missense variant is not expected to disrupt KCNQ3 protein function with a negative predictive value of 80%. In summary, the available evidence is currently insufficient to determine the role of this variant in disease. Therefore, it has been classified as a Variant of Uncertain Significance.

NM_004519.4(KCNQ3):c.1724G>A (p.Gly575Glu)

Gene: KCNQ3 (potassium voltage-gated channel subfamily Q member 3; minus strand). Cytogenetic location: 8q24.22.
Variant type: single nucleotide variant.
Coding change: c.1724G>A on transcript NM_004519.4 (MANE Select); coding-DNA position 1724, G replaced by A.
Protein change: p.Gly575Glu; replaces glycine 575 with glutamic acid.
Molecular consequence: missense variant.
Genome position (GRCh38, 1-based): chr8:132,134,365, C>T on the plus strand (G>A on the coding strand, the complement: KCNQ3 is on the minus strand). VCF-style: chr8-132134365-C-T. GRCh37 (hg19) VCF-style: chr8-133146612-C-T.
Other names: c.1364G>A, p.Gly455Glu (NM_001204824.2); short protein forms G455E, G575E.
Identifiers: ClinVar variation 3625619 (VCV003625619.2).